The following is an entry in ClinVar:

NM_001257293.2(HNRNPH1):c.876C>G (p.His292Gln)

Genes: HNRNPH1 (heterogeneous nuclear ribonucleoprotein H1; minus strand), LOC128966623 (uncharacterized LOC128966623; plus strand). Cytogenetic location: 5q35.3.
Variant type: single nucleotide variant.
Coding change: c.876C>G on transcript NM_001257293.2 (MANE Select); coding-DNA position 876, C replaced by G.
Protein change: p.His292Gln; replaces histidine 292 with glutamine.
Molecular consequence: missense variant.
Genome position (GRCh38, 1-based): chr5:179,617,844, G>C on the plus strand (C>G on the coding strand, the complement: HNRNPH1 is on the minus strand). VCF-style: chr5-179617844-G-C. GRCh37 (hg19) VCF-style: chr5-179044845-G-C.
Other names: c.876C>G, p.His292Gln (NM_001364236.2, NM_001364237.2, NM_001364238.2 and 27 more transcripts); c.855C>G, p.His285Gln (NM_001364240.2, NM_001364241.2, NM_001364242.2 and 6 more transcripts); c.720C>G, p.His240Gln (NM_001364250.2); c.273C>G, p.His91Gln (NM_001364251.2, NM_001364252.2, NM_001364253.2 and 4 more transcripts); c.645C>G, p.His215Gln (NM_001395190.1); c.558C>G, p.His186Gln (NM_001395191.1, NM_001395192.1); c.465C>G, p.His155Gln (NM_001395193.1); short protein forms H155Q, H186Q, H215Q, H240Q, H285Q, H292Q, H91Q.
Identifiers: ClinVar variation 4857439 (VCV004857439.1).

ClinVar aggregate classification (germline): Uncertain significance (1 of 4 stars; one submission).

Conditions:
Neurodevelopmental disorder with craniofacial dysmorphism and skeletal defects (NEDCDS). Identifiers: Orphanet 662207, MedGen C5774235, MONDO:0859301, OMIM 620083.

Submission:

Institute of Human Genetics, University of Leipzig Medical Center
Classification: Uncertain significance for Neurodevelopmental disorder with craniofacial dysmorphism and skeletal defects. Last evaluated: 2026-05-28. Review status: criteria provided, single submitter. Criteria: ACMG Guidelines, 2015. Collection method: clinical testing. Allele origin: unknown. Inheritance: Autosomal dominant inheritance. Affected: yes.
Comment: Criteria applied: PM2,PP2